The following is an entry in ClinVar:

ClinVar aggregate classification (germline): Likely pathogenic (1 of 4 stars; one submission).

Conditions:
Autosomal recessive limb-girdle muscular dystrophy type 2A (LGMDR1). Also called: Calpainopathy; LEYDEN-MOEBIUS MUSCULAR DYSTROPHY; MUSCULAR DYSTROPHY, PELVOFEMORAL; Muscular dystrophy, limb-girdle, type 2A, Amish; Limb-girdle muscular dystrophy, type 2A. Identifiers: Orphanet 267, MedGen C1869123, MONDO:0009675, OMIM 253600. Disease mechanism: loss of function.

Submission:

Natera, Inc.
Classification: Likely pathogenic for Limb-girdle muscular dystrophy type 2A. Last evaluated: 2025-12-24. Review status: criteria provided, single submitter. Criteria: Natera Variant Classification Schema (03/2026). Collection method: clinical testing. Allele origin: germline.
Comment: The c.229G>T variant in CAPN3 is a missense variant predicted to cause substitution of aspartic acid to tyrosine at amino acid 77. This variant is rare in the general population with a frequency below the threshold expected for the associated phenotype(s). This variant has been observed in one or more individuals affected with the associated recessive disease, as either homozygous or compound heterozygous with a second variant (PMID: 27447704). This variant has been identified in one or more affected individual with a phenotype highly consistent with the associated gene (PMID: 27447704). Computational prediction algorithms indicate this variant is likely to affect gene or protein function. Given the available evidence, this variant is classified as Likely Pathogenic.

Literature cited by the submitters: PubMed 27447704.

NM_000070.3(CAPN3):c.229G>T (p.Asp77Tyr)

Gene: CAPN3 (calpain 3; plus strand). Cytogenetic location: 15q15.1.
Variant type: single nucleotide variant.
Coding change: c.229G>T on transcript NM_000070.3 (MANE Select); coding-DNA position 229, G replaced by T.
Protein change: p.Asp77Tyr; replaces aspartic acid 77 with tyrosine.
Molecular consequence: missense variant.
Genome position (GRCh38, 1-based): chr15:42,360,034, G>T. VCF-style: chr15-42360034-G-T. GRCh37 (hg19) VCF-style: chr15-42652232-G-T.
Other names: c.229G>T, p.Asp77Tyr (NM_024344.2, NM_173087.2); short protein forms D77Y.
Identifiers: ClinVar variation 4816261 (VCV004816261.1).
Genomic context (GRCh38, chr15:42,360,034, plus strand): 5'-AAAGAGAAGACATTCGAGCAACTTCACAAGAAATGTCTAGAAAAGAAAGTTCTTTATGTG[G>T]ACCCTGAGTTCCCACCGGATGAGACCTCTCTCTTTTATAGCCAGAAGTTCCCCATCCAGT-3'
Protein context (NP_000061.1, residues 67-87): KCLEKKVLYV[Asp77Tyr]PEFPPDETSL